The following is an entry in ClinVar:

NM_020435.4(GJC2):c.141C>G (p.Tyr47Ter)

Gene: GJC2 (gap junction protein gamma 2; plus strand). Cytogenetic location: 1q42.13.
Variant type: single nucleotide variant.
Coding change: c.141C>G on transcript NM_020435.4 (MANE Select); coding-DNA position 141, C replaced by G.
Protein change: p.Tyr47Ter; replaces tyrosine 47 with a stop codon.
Molecular consequence: nonsense.
Genome position (GRCh38, 1-based): chr1:228,157,899, C>G. VCF-style: chr1-228157899-C-G. GRCh37 (hg19) VCF-style: chr1-228345600-C-G.
Other names: short protein forms Y47*.
Identifiers: ClinVar variation 527995 (VCV000527995.8), dbSNP rs1553262438, ClinGen allele CA345096983.

ClinVar aggregate classification (germline): Likely pathogenic (1 of 4 stars; one submission).

Conditions:
Spastic paraplegia. Identifiers: MedGen C0037772, HP:0001258.

Submission:

Labcorp Genetics (formerly Invitae), Labcorp
Classification: Likely pathogenic for Spastic paraplegia. Last evaluated: 2017-12-02. Review status: criteria provided, single submitter. Criteria: Invitae Variant Classification Sherloc (09022015). Collection method: clinical testing. Allele origin: germline.
Comment: In summary, the currently available evidence indicates that the variant is pathogenic, but additional data are needed to prove that conclusively. Therefore, this variant has been classified as Likely Pathogenic. Different truncation variants that lie downstream of this variant have been reported in individuals affected with Pelizaeus-Merzbacher-like disease (PMID: 18094336, 20513814). This suggests that deletion of this region of the GJC2 protein is causative of disease. This variant has not been reported in the literature in individuals with GJC2-related disease. This variant is not present in population databases (ExAC no frequency). This sequence change results in a premature translational stop signal in the GJC2 gene (p.Tyr47*). While this is not anticipated to result in nonsense mediated decay, it is expected to delete the last 393 amino acids of the GJC2 protein.

Literature cited by the submitters: PubMed 18094336; PubMed 20513814.